The following is an entry in ClinVar:

NM_022552.5(DNMT3A):c.1608C>G (p.Tyr536Ter)

Gene: DNMT3A (DNA methyltransferase 3 alpha; minus strand). Cytogenetic location: 2p23.3.
Variant type: single nucleotide variant.
Coding change: c.1608C>G on transcript NM_022552.5 (MANE Select); coding-DNA position 1608, C replaced by G.
Protein change: p.Tyr536Ter; replaces tyrosine 536 with a stop codon.
Molecular consequence: nonsense. On other transcripts: non-coding transcript variant (1).
Genome position (GRCh38, 1-based): chr2:25,244,599, G>C on the plus strand (C>G on the coding strand, the complement: DNMT3A is on the minus strand). VCF-style: chr2-25244599-G-C. GRCh37 (hg19) VCF-style: chr2-25467468-G-C.
Other names: c.1152C>G, p.Tyr384Ter (NM_001320893.1); c.939C>G, p.Tyr313Ter (NM_001375819.1); c.1041C>G, p.Tyr347Ter (NM_153759.3); c.1608C>G, p.Tyr536Ter (NM_175629.2); short protein forms Y536*, Y347*, Y384*, Y313*.
Identifiers: ClinVar variation 280341 (VCV000280341.2), dbSNP rs370376334, ClinGen allele CA1555929.

ClinVar aggregate classification (germline): Pathogenic (1 of 4 stars; one submission).

Allele frequency attached by ClinVar (database versions not stated): TOPMed 0.00001; ESP Exome Variant Server 0.00008; ExAC 0.00002.
gnomAD v4.1: 1 of 1,614,202 alleles (0.000062%); highest among the groups gnomAD compares: Non-Finnish European, 0.000085%; no homozygotes.

Submission:

GeneDx
Classification: Pathogenic. Last evaluated: 2016-02-22. Review status: criteria provided, single submitter. Criteria: GeneDx Variant Classification (06012015). Collection method: clinical testing. Allele origin: germline. Affected: yes.
Comment: The Y536X pathogenic variant in the DNMT3A gene has not been reported previously as a pathogenic variant nor as a benign variant, to our knowledge. This variant is predicted to cause loss of normal protein function either through protein truncation or nonsense-mediated mRNA decay. The Y536X variant was not observed at any significant frequency in approximately 6500 individuals of European and African American ancestry in the NHLBI Exome Sequencing Project, indicating it is not a common benign variant in these populations. We interpret Y536X as a pathogenic variant.